The following is an entry in ClinVar:

ClinVar aggregate classification (germline): Likely benign (1 of 4 stars; one submission).

Allele frequency attached by ClinVar (database versions not stated): gnomAD exomes 0.00003; gnomAD 0.00005; TOPMed 0.00006; ExAC 0.00012; 1000 Genomes Project 30x 0.00047; 1000 Genomes Project 0.00060.

Submission:

CeGaT Center for Human Genetics Tuebingen
Classification: Likely benign. Last evaluated: 2023-10-01. Review status: criteria provided, single submitter. Criteria: CeGaT Center For Human Genetics Tuebingen Variant Classification Criteria Version 2. Collection method: clinical testing. Allele origin: germline. Affected: yes. Observed: 1 variant allele.
Comment: EMILIN1: BP4

NM_007046.4(EMILIN1):c.713A>G (p.Asn238Ser)

Gene: EMILIN1 (elastin microfibril interfacer 1; plus strand). Cytogenetic location: 2p23.3.
Variant type: single nucleotide variant.
Coding change: c.713A>G on transcript NM_007046.4 (MANE Select); coding-DNA position 713, A replaced by G.
Protein change: p.Asn238Ser; replaces asparagine 238 with serine.
Molecular consequence: missense variant.
Genome position (GRCh38, 1-based): chr2:27,082,284, A>G. VCF-style: chr2-27082284-A-G. GRCh37 (hg19) VCF-style: chr2-27305152-A-G.
Other names: short protein forms N238S.
Identifiers: ClinVar variation 2650758 (VCV002650758.24), dbSNP rs547884789, ClinGen allele CA1568572.